The following is an entry in ClinVar:

ClinVar aggregate classification (germline): Uncertain significance (1 of 4 stars; one submission).

Conditions:
Dilated cardiomyopathy 1II (CMD1II). Identifiers: Orphanet 154, MedGen C3554649, MONDO:0014073, OMIM 615184.

Submission:

Labcorp Genetics (formerly Invitae), Labcorp
Classification: Uncertain significance for Dilated cardiomyopathy 1II. Last evaluated: 2021-08-20. Review status: criteria provided, single submitter. Criteria: Invitae Variant Classification Sherloc (09022015). Collection method: clinical testing. Allele origin: germline.
Comment: A copy number gain of the genomic region encompassing the full coding sequence of the CRYAB gene has been identified. The boundaries of this event are unknown as they extend beyond the assayed region for this gene and therefore may encompass additional genes. As the precise location of this event is unknown, it may be in tandem or it may be located elsewhere in the genome. This variant has not been reported in the literature in individuals affected with CRYAB-related conditions. Experimental studies and prediction algorithms are not available or were not evaluated, and the functional significance of this variant is currently unknown. In summary, the available evidence is currently insufficient to determine the role of this variant in disease. Therefore, it has been classified as a Variant of Uncertain Significance.

NC_000011.9:g.(?_111779478)_(111961866_?)dup

Genes: C11orf52 (chromosome 11 open reading frame 52; plus strand), CRYAB (crystallin alpha B; minus strand), DIXDC1 (DIX domain containing 1; plus strand), DLAT (dihydrolipoamide S-acetyltransferase; plus strand), HSPB2 (heat shock protein family B (small) member 2; plus strand) and 4 more. Cytogenetic location: 11q23.1.
Variant type: Duplication.
Identifiers: ClinVar variation 1410524 (VCV001410524.5).